The following is an entry in ClinVar:

ClinVar aggregate classification (germline): Pathogenic (1 of 4 stars; one submission).

Submission:

Labcorp Genetics (formerly Invitae), Labcorp
Classification: Pathogenic. Last evaluated: 2025-10-21. Review status: criteria provided, single submitter. Criteria: Invitae Variant Classification Sherloc (09022015). Collection method: clinical testing. Allele origin: germline.
Comment: This sequence change replaces glycine, which is neutral and non-polar, with glutamic acid, which is acidic and polar, at codon 873 of the COL4A1 protein (p.Gly873Glu). This variant is not present in population databases (gnomAD no frequency). This missense change has been observed in individual(s) with clinical features of COL4A1-related conditions (internal data). In at least one individual the variant was observed to be de novo. ClinVar contains an entry for this variant (Variation ID: 2977115). Invitae Evidence Modeling of protein sequence and biophysical properties (such as structural, functional, and spatial information, amino acid conservation, physicochemical variation, residue mobility, and thermodynamic stability) indicates that this missense variant is expected to disrupt COL4A1 protein function with a positive predictive value of 95%. For these reasons, this variant has been classified as Pathogenic.

NM_001845.6(COL4A1):c.2618G>A (p.Gly873Glu)

Gene: COL4A1 (collagen type IV alpha 1 chain; minus strand). Cytogenetic location: 13q34.
Variant type: single nucleotide variant.
Coding change: c.2618G>A on transcript NM_001845.6 (MANE Select); coding-DNA position 2618, G replaced by A.
Protein change: p.Gly873Glu; replaces glycine 873 with glutamic acid.
Molecular consequence: missense variant.
Genome position (GRCh38, 1-based): chr13:110,178,072, C>T on the plus strand (G>A on the coding strand, the complement: COL4A1 is on the minus strand). VCF-style: chr13-110178072-C-T. GRCh37 (hg19) VCF-style: chr13-110830419-C-T.
Other names: short protein forms G873E.
Identifiers: ClinVar variation 2977115 (VCV002977115.3), dbSNP rs2501780114, ClinGen allele CA388667727.